The following is an entry in ClinVar:

ClinVar aggregate classification (germline): Uncertain significance (1 of 4 stars; one submission).

Conditions:
BBS9-related disorder. Also called: BBS9-related condition.

Submission:

PreventionGenetics, part of Exact Sciences
Classification: Uncertain significance for BBS9-related condition. Last evaluated: 2025-03-21. Review status: criteria provided, single submitter. Criteria: ACMG Guidelines, 2015. Collection method: clinical testing. Allele origin: germline.
Comment: The BBS9 c.1535C>G variant is predicted to result in the amino acid substitution p.Thr512Arg. To our knowledge, this variant has not been reported in the literature or in a large population database (gnomAD), indicating this variant is rare. At this time, the clinical significance of this variant is uncertain due to the absence of conclusive functional and genetic evidence.

NM_198428.3(BBS9):c.1535C>G (p.Thr512Arg)

Gene: BBS9 (Bardet-Biedl syndrome 9; plus strand). Cytogenetic location: 7p14.3.
Variant type: single nucleotide variant.
Coding change: c.1535C>G on transcript NM_198428.3 (MANE Select); coding-DNA position 1535, C replaced by G.
Protein change: p.Thr512Arg; replaces threonine 512 with arginine.
Molecular consequence: missense variant. On other transcripts: non-coding transcript variant (3), intron variant (5).
Genome position (GRCh38, 1-based): chr7:33,351,321, C>G. VCF-style: chr7-33351321-C-G. GRCh37 (hg19) VCF-style: chr7-33390933-C-G.
Other names: c.1535C>G, p.Thr512Arg (NM_001033605.2, NM_001348036.1, NM_001348041.4 and 2 more transcripts); c.1169C>G, p.Thr390Arg (NM_001348037.3, NM_001348045.3, NM_001348046.3); c.1262C>G, p.Thr421Arg (NM_001348038.3); c.1400C>G, p.Thr467Arg (NM_001348042.3); c.1160-1538C>G (NM_001348039.3); c.1433-1538C>G (NM_001033604.2); c.1432+2151C>G (NM_014451.4, NM_001348040.3); c.1067-1538C>G (NM_001348044.3); short protein forms T390R, T512R, T467R, T421R.
Identifiers: ClinVar variation 4984004 (VCV004984004.1).